The following is an entry in ClinVar:

ClinVar aggregate classification (germline): Likely benign (1 of 4 stars; one submission).

Allele frequency attached by ClinVar (database versions not stated): ExAC 0.00001; gnomAD exomes 0.00001; gnomAD 0.00005; TOPMed 0.00006; ESP Exome Variant Server 0.00008; 1000 Genomes Project 30x 0.00016; 1000 Genomes Project 0.00020.
gnomAD v4.1: 40 of 1,614,012 alleles (0.0025%); highest among the groups gnomAD compares: African/African-American, 0.037%; no homozygotes.

Submission:

CeGaT Center for Human Genetics Tuebingen
Classification: Likely benign. Last evaluated: 2023-05-01. Review status: criteria provided, single submitter. Criteria: CeGaT Center For Human Genetics Tuebingen Variant Classification Criteria Version 2. Collection method: clinical testing. Allele origin: germline. Affected: yes. Observed: 1 variant allele.
Comment: DCPS: BP4, BP7

NM_014026.6(DCPS):c.510C>T (p.Ser170=)

Gene: DCPS (decapping enzyme, scavenger; plus strand). Cytogenetic location: 11q24.2.
Variant type: single nucleotide variant.
Coding change: c.510C>T on transcript NM_014026.6 (MANE Select); coding-DNA position 510, C replaced by T.
Protein change: p.Ser170=; no amino-acid change (serine 170 retained).
Molecular consequence: synonymous variant.
Genome position (GRCh38, 1-based): chr11:126,331,538, C>T. VCF-style: chr11-126331538-C-T. GRCh37 (hg19) VCF-style: chr11-126201433-C-T.
Other names: c.531C>T, p.Ser177= (NM_001350236.2).
Identifiers: ClinVar variation 2642533 (VCV002642533.24), dbSNP rs190946640, ClinGen allele CA6355005.
Genomic context (GRCh38, chr11:126,331,538, plus strand): 5'-GATCCGAGAGACGGGAGATGACTACAGGAATATTACTTTACCCCACCTGGAGTCCCAGAG[C>T]CTCAGCATCCAGGTGACTGGCTGCATGTCTCAGACGCAGAGCACTGCTCCCGTGGCTGGT-3'
Protein context (NP_054745.1, residues 160-180): NITLPHLESQ[Ser170=]LSIQWVYNIL